The following is an entry in ClinVar:

NM_001723.7(DST):c.7079T>C (p.Leu2360Pro)

Gene: DST (dystonin; minus strand). Cytogenetic location: 6p12.1.
Variant type: single nucleotide variant.
Coding change: c.7079T>C on transcript NM_001723.7 (MANE Plus Clinical); coding-DNA position 7079, T replaced by C.
Protein change: p.Leu2360Pro; replaces leucine 2360 with proline.
Molecular consequence: missense variant. On other transcripts: intron variant (10).
Genome position (GRCh38, 1-based): chr6:56,616,388, A>G on the plus strand (T>C on the coding strand, the complement: DST is on the minus strand). VCF-style: chr6-56616388-A-G. GRCh37 (hg19) VCF-style: chr6-56481186-A-G.
Other names: c.4831-1904T>C (NM_001144769.5); c.4930-1904T>C (NM_001374722.1, NM_001374736.1); c.4957-1904T>C (NM_001374734.1); c.4417-1904T>C (NM_001144770.2); c.4297-1904T>C (NM_001374730.1, NM_001386100.1, NM_183380.4 and 1 more transcripts); c.3319-1904T>C (NM_015548.5); short protein forms L2360P.
Identifiers: ClinVar variation 4527390 (VCV004527390.1).

ClinVar aggregate classification (germline): Uncertain significance (1 of 4 stars; one submission).

Submission:

GeneDx
Classification: Uncertain significance. Last evaluated: 2025-04-21. Review status: criteria provided, single submitter. Criteria: GeneDx Variant Classification Process June 2021. Collection method: clinical testing. Allele origin: germline. Affected: yes.
Comment: Not observed at significant frequency in large population cohorts (gnomAD); In silico analysis indicates that this missense variant does not alter protein structure/function; Has not been previously published as pathogenic or benign to our knowledge; Reported using the transcript encoding the epithelial isoform of the gene.